The following is an entry in ClinVar:

NM_014000.3(VCL):c.2023-34_2023-4del

Gene: VCL (vinculin; plus strand). Cytogenetic location: 10q22.2.
Variant type: Deletion.
Coding change: c.2023-34_2023-4del on transcript NM_014000.3 (MANE Select); 34 bases into the intron before coding-DNA position 2023 through 4 bases into the intron before coding-DNA position 2023, 31 bases deleted.
Molecular consequence: intron variant.
Genome position (GRCh38, 1-based): chr10:74,103,786-74,103,816, 31 bases deleted; deleting any 31 consecutive bases within chr10:74,103,784-74,103,816 gives the same sequence; the c. name uses the placement nearest the transcript's 3' end. GRCh37 (hg19): chr10:75,863,544-75,863,574.
Other names: c.2023-34_2023-4del (NM_003373.4).
Identifiers: ClinVar variation 2018495 (VCV002018495.4), dbSNP rs2549231492, ClinGen allele CA2580082054.
Genomic context (GRCh38, chr10:74,103,783, plus strand): 5'-AGTGCCATCTGTAGGTAAAGAGGAGAAAGCTTGGCTGAAGGTTTGTATCTGGAGAGCAAG[GGTGCTCTGGTGTTTAAAGGTGTTTTGTCATT>G]GTCAGGTGGTCTCGGCTGCTCGTATCTTACTTAGGAACCCTGGAAATCAAGCTGCTTATG-3'

ClinVar aggregate classification (germline): Uncertain significance (1 of 4 stars; one submission).

Conditions:
Dilated cardiomyopathy 1W (CMD1W). Identifiers: Orphanet 154, MedGen C1969639, MONDO:0012667, OMIM 611407.

Submission:

Labcorp Genetics (formerly Invitae), Labcorp
Classification: Uncertain significance for Dilated cardiomyopathy 1W. Last evaluated: 2022-07-21. Review status: criteria provided, single submitter. Criteria: Invitae Variant Classification Sherloc (09022015). Collection method: clinical testing. Allele origin: germline.
Comment: In summary, the available evidence is currently insufficient to determine the role of this variant in disease. Therefore, it has been classified as a Variant of Uncertain Significance. Algorithms developed to predict the effect of sequence changes on RNA splicing suggest that this variant may disrupt the consensus splice site. This sequence change falls in intron 14 of the VCL gene. It does not directly change the encoded amino acid sequence of the VCL protein. This variant is not present in population databases (gnomAD no frequency). This variant has not been reported in the literature in individuals affected with VCL-related conditions.